The following is an entry in ClinVar:

ClinVar aggregate classification (germline): Conflicting classifications of pathogenicity. Review status: criteria provided, conflicting classifications (1 of 4 stars). 5 submissions from 5 submitters: Uncertain significance (4); Likely benign (1). Last evaluated 2025-12-16.

Conditions:
Long QT syndrome (LQTS). Identifiers: MedGen C0023976, MeSH D008133, MONDO:0002442. Disease mechanism: loss of function. Inheritance: Various modes of inheritance.
Cardiovascular phenotype. Identifiers: MedGen CN230736.
Long QT syndrome 11 (LQT11). Identifiers: Orphanet 101016, Orphanet 768, MedGen C2678483, MONDO:0012738, OMIM 611820.

Allele frequency attached by ClinVar (database versions not stated): TOPMed 0.00003.
gnomAD v4.1: 115 of 1,613,990 alleles (0.0071%); highest among the groups gnomAD compares: Middle Eastern, 0.049%; no homozygotes.

Submissions (5):

Labcorp Genetics (formerly Invitae), Labcorp
Classification: Uncertain significance for Long QT syndrome. Last evaluated: 2025-12-16. Review status: criteria provided, single submitter. Criteria: Invitae Variant Classification Sherloc (09022015). Collection method: clinical testing. Allele origin: germline.
Comment: This sequence change replaces methionine, which is neutral and non-polar, with isoleucine, which is neutral and non-polar, at codon 3743 of the AKAP9 protein (p.Met3743Ile). This variant is present in population databases (rs143306820, gnomAD 0.01%). This missense change has been observed in individual(s) with clinical features of AKAP9-related conditions (PMID: 30276209, 30847666). ClinVar contains an entry for this variant (Variation ID: 573633). An algorithm developed to predict the effect of missense changes on protein structure and function (PolyPhen-2) suggests that this variant is likely to be tolerated. In summary, the available evidence is currently insufficient to determine the role of this variant in disease. Therefore, it has been classified as a Variant of Uncertain Significance.

Ambry Genetics
Classification: Uncertain significance for Cardiovascular phenotype. Last evaluated: 2024-12-17. Review status: criteria provided, single submitter. Criteria: Ambry Variant Classification Scheme 2023. Collection method: clinical testing. Allele origin: germline.
Comment: The p.M3743I variant (also known as c.11229G>C), located in coding exon 46 of the AKAP9 gene, results from a G to C substitution at nucleotide position 11229. The methionine at codon 3743 is replaced by isoleucine, an amino acid with highly similar properties. This amino acid position is highly conserved in available vertebrate species. In addition, the in silico prediction for this alteration is inconclusive. The evidence for this gene-disease relationship is limited; therefore, the clinical significance of this alteration is unclear.

Blueprint Genetics
Classification: Likely benign. Last evaluated: 2024-10-22. Review status: criteria provided, single submitter. Criteria: ACMG Guidelines, 2015. Collection method: clinical testing. Allele origin: germline.

Clinical Genomics Laboratory, Stanford Medicine
Classification: Uncertain significance for Long QT syndrome 11. Last evaluated: 2022-03-07. Review status: criteria provided, single submitter. Criteria: ACMG Guidelines, 2015. Collection method: clinical testing. Allele origin: germline. Observed: 1 variant allele, 1 heterozygote.
Comment: The p.Met3743Ile variant in the AKAP9 gene has been previously reported in at least 3 unrelated individuals with various cardiac diseases including atrial fibrillation, unknown arrhythmia, and left ventricular noncompaction (Doñate Puertas et al., 2018; van Lint et al., 2019; Cambon-Viala et al., 2021). In the individual with left ventricular noncompaction, a truncating variant in the TTN gene was also identified (Cambon-Viala et al., 2021). This variant has also been identified in 4/35,438 Latino/Admixed American chromosomes (13/282,538 chromosomes overall) by the Genome Aggregation Database. Although this variant has been seen in the general population, it has been observed at a frequency low enough to be consistent with the prevalence of inherited arrhythmias.The methionine at position 3743 is evolutionarily conserved. Computational tools do not predict that the p.Met3743Ile variant is deleterious; however, the accuracy of in silico algorithms is limited. These data were assessed using the ACMG/AMP variant interpretation guidelines. In summary, the significance of the p.Met3743Ile variant is uncertain. Additional information is needed to resolve the significance of this variant. [ACMG evidence codes used: PM2]

Fulgent Genetics
Classification: Uncertain significance for Long QT syndrome 11. Last evaluated: 2021-07-07. Review status: criteria provided, single submitter. Criteria: ACMG Guidelines, 2015. Collection method: clinical testing. Allele origin: unknown.

Literature cited by the submitters: PubMed 30276209 (cited by Labcorp Genetics (formerly Invitae), Labcorp and Clinical Genomics Laboratory, Stanford Medicine); PubMed 30847666 (cited by 3 submitters); PubMed 30471092 (cited by Ambry Genetics); PubMed 34088380 (cited by Clinical Genomics Laboratory, Stanford Medicine).

NM_005751.5(AKAP9):c.11229G>C (p.Met3743Ile)

Gene: AKAP9 (A-kinase anchoring protein 9; plus strand). Cytogenetic location: 7q21.2.
Variant type: single nucleotide variant.
Coding change: c.11229G>C on transcript NM_005751.5 (MANE Select); coding-DNA position 11229, G replaced by C.
Protein change: p.Met3743Ile; replaces methionine 3743 with isoleucine.
Molecular consequence: missense variant.
Genome position (GRCh38, 1-based): chr7:92,102,725, G>C. VCF-style: chr7-92102725-G-C. GRCh37 (hg19) VCF-style: chr7-91732039-G-C.
Other names: c.5874G>C, p.Met1958Ile (NM_001379277.1); c.11205G>C, p.Met3735Ile (NM_147185.3); short protein forms M3743I, M3735I, M1958I.
Identifiers: ClinVar variation 573633 (VCV000573633.17), dbSNP rs143306820, ClinGen allele CA4338116.